The following is an entry in ClinVar:

NM_000090.4(COL3A1):c.3039T>C (p.Asp1013=)

Gene: COL3A1 (collagen type III alpha 1 chain; plus strand). Cytogenetic location: 2q32.2.
Variant type: single nucleotide variant.
Coding change: c.3039T>C on transcript NM_000090.4 (MANE Select); coding-DNA position 3039, T replaced by C.
Protein change: p.Asp1013=; no amino-acid change (aspartic acid 1013 retained).
Molecular consequence: synonymous variant.
Genome position (GRCh38, 1-based): chr2:189,005,457, T>C. VCF-style: chr2-189005457-T-C. GRCh37 (hg19) VCF-style: chr2-189870183-T-C.
Identifiers: ClinVar variation 3606756 (VCV003606756.3).

ClinVar aggregate classification (germline): Uncertain significance. Review status: criteria provided, multiple submitters, no conflicts (2 of 4 stars). 2 submissions from 2 submitters: Uncertain significance (2). Last evaluated 2026-01-28.

Conditions:
Ehlers-Danlos syndrome, type 4 (EDSVASC). Also called: Ehlers-Danlos syndrome vascular type; Ehlers Danlos syndrome, ecchymotic type; Ehlers Danlos syndrome, arterial type; Ehlers Danlos syndrome, Sack-Barabas type; Ehlers-Danlos Syndrome Type IV. Identifiers: Orphanet 286, MedGen C0268338, MONDO:0017314, OMIM 130050.
Familial thoracic aortic aneurysm and aortic dissection (TAAD). Also called: Thoracic aortic aneurysms and dissections. Identifiers: Orphanet 91387, MedGen C4707243, MONDO:0019625.

gnomAD v4.1: 1 of 1,612,144 alleles (0.000062%); highest among the groups gnomAD compares: Non-Finnish European, 0.000085%; no homozygotes.

Submissions (2):

Ambry Genetics
Classification: Uncertain significance for Familial thoracic aortic aneurysm and aortic dissection. Last evaluated: 2026-01-28. Review status: criteria provided, single submitter. Criteria: Ambry Variant Classification Scheme 2023. Collection method: clinical testing. Allele origin: germline.
Comment: The c.3039T>C variant (also known as p.D1013D), located in coding exon 41 of the COL3A1 gene, results from a T to C substitution at nucleotide position 3039. This nucleotide substitution does not change the amino acid at codon 1013. However, this change occurs in the last base pair of coding exon 41, which makes it likely to have some effect on normal mRNA splicing. This nucleotide position is not well conserved in available vertebrate species. In silico splice site analysis predicts that this alteration will not have any significant effect on splicing. Based on the available evidence, the clinical significance of this variant remains unclear.

Labcorp Genetics (formerly Invitae), Labcorp
Classification: Uncertain significance for Ehlers-Danlos syndrome, type 4. Last evaluated: 2024-11-13. Review status: criteria provided, single submitter. Criteria: Invitae Variant Classification Sherloc (09022015). Collection method: clinical testing. Allele origin: germline.
Comment: This sequence change affects codon 1013 of the COL3A1 mRNA. It is a 'silent' change, meaning that it does not change the encoded amino acid sequence of the COL3A1 protein. It affects a nucleotide within the consensus splice site. This variant is not present in population databases (gnomAD no frequency). This variant has not been reported in the literature in individuals affected with COL3A1-related conditions. Algorithms developed to predict the effect of sequence changes on RNA splicing suggest that this variant is not likely to affect RNA splicing. In summary, the available evidence is currently insufficient to determine the role of this variant in disease. Therefore, it has been classified as a Variant of Uncertain Significance.